The following is an entry in ClinVar:

NM_002835.4(PTPN12):c.2279T>C (p.Ile760Thr)

Gene: PTPN12 (protein tyrosine phosphatase non-receptor type 12; plus strand). Cytogenetic location: 7q11.23.
Variant type: single nucleotide variant.
Coding change: c.2279T>C on transcript NM_002835.4 (MANE Select); coding-DNA position 2279, T replaced by C.
Protein change: p.Ile760Thr; replaces isoleucine 760 with threonine.
Molecular consequence: missense variant.
Genome position (GRCh38, 1-based): chr7:77,638,729, T>C. VCF-style: chr7-77638729-T-C. GRCh37 (hg19) VCF-style: chr7-77268046-T-C.
Other names: c.1922T>C, p.Ile641Thr (NM_001131008.2); c.1889T>C, p.Ile630Thr (NM_001131009.2); short protein forms I630T, I760T, I641T.
Identifiers: ClinVar variation 3940450 (VCV003940450.2).

ClinVar aggregate classification (germline): Uncertain significance. Review status: criteria provided, multiple submitters, no conflicts (2 of 4 stars). 2 submissions from 2 submitters: Uncertain significance (2). Last evaluated 2026-08-06.

Conditions:
Colorectal cancer. Also called: Colorectal cancer, somatic; Malignant Colorectal Neoplasm. Identifiers: MedGen C0346629, MONDO:0005575, OMIM 114500.

gnomAD v4.1: 10 of 1,594,342 alleles (0.00063%); highest among the groups gnomAD compares: South Asian, 0.0034%; no homozygotes.

Submissions (2):

OLLIN Analises Genomicas, OLLIN
Classification: Uncertain significance for Colorectal cancer. Last evaluated: 2026-08-06. Review status: criteria provided, single submitter. Criteria: ACMG Guidelines 2015 PMID 25741868. Collection method: clinical testing. Allele origin: germline.
Comment: This missense variant, located in exon 17 (of 18), has been reported in ClinVar (accession VCV003940450.1) and in gnomAD with an allele frequency of 0.00063%. However, to our knowledge, it has not been reported in the scientific literature. In silico analysis predicts that this variant has a tolerated effect. According to the currently available evidence, this variant has been classified as uncertain significance (BP4_M).

Ambry Genetics
Classification: Uncertain significance. Last evaluated: 2025-05-13. Review status: criteria provided, single submitter. Criteria: Ambry Variant Classification Scheme 2023. Collection method: clinical testing. Allele origin: germline.